The following is an entry in ClinVar:

ClinVar aggregate classification (germline): Benign. Review status: criteria provided, multiple submitters, no conflicts (2 of 4 stars). 6 submissions from 6 submitters: Benign (6). Last evaluated 2026-01-25.

Conditions:
Early-infantile DEE. Also called: Early infantile epileptic encephalopathy; Ohtahara syndrome; Early infantile epileptic encephalopathy with suppression bursts. Identifiers: Orphanet 1934, MedGen C0393706, MONDO:0800491.
Inborn genetic diseases. Identifiers: MedGen C0950123, MeSH D030342.
Developmental and epileptic encephalopathy, 5 (DEE5). Identifiers: Orphanet 3451, MedGen C3150731, MONDO:0013277, OMIM 613477.

Allele frequency attached by ClinVar (database versions not stated): gnomAD exomes 0.00129; ExAC 0.00159; ESP Exome Variant Server 0.00454; gnomAD 0.00474 and 0.00509; 1000 Genomes Project 0.00519; TOPMed 0.00541; 1000 Genomes Project 30x 0.00562.
gnomAD v4.1: 1,438 of 1,614,074 alleles (0.089%); highest among the groups gnomAD compares: African/African-American, 1.6%; 17 homozygotes.

Submissions (6):

Labcorp Genetics (formerly Invitae), Labcorp
Classification: Benign for Early-infantile DEE. Last evaluated: 2026-01-25. Review status: criteria provided, single submitter. Criteria: Invitae Variant Classification Sherloc (09022015). Collection method: clinical testing. Allele origin: germline.

Genome-Nilou Lab
Classification: Benign for Developmental and epileptic encephalopathy, 5. Last evaluated: 2021-07-15. Review status: criteria provided, single submitter. Criteria: ACMG Guidelines, 2015. Collection method: clinical testing. Allele origin: germline. Affected: no.

Ambry Genetics
Classification: Benign for Inborn genetic diseases. Last evaluated: 2016-05-02. Review status: criteria provided, single submitter. Criteria: Ambry Variant Classification Scheme 2023. Collection method: clinical testing. Allele origin: germline.

Genetic Services Laboratory, University of Chicago
Classification: Benign. Last evaluated: 2016-04-29. Review status: criteria provided, single submitter. Criteria: ACMG Guidelines, 2015. Collection method: clinical testing. Allele origin: germline. Affected: no.

GeneDx
Classification: Benign. Last evaluated: 2013-03-27. Review status: criteria provided, single submitter. Criteria: GeneDx Variant Classification (06012015). Collection method: clinical testing. Allele origin: germline. Affected: yes.
Comment: This variant is considered likely benign or benign based on one or more of the following criteria: it is a conservative change, it occurs at a poorly conserved position in the protein, it is predicted to be benign by multiple in silico algorithms, and/or has population frequency not consistent with disease.

Breakthrough Genomics
Classification: Benign. Review status: criteria provided, single submitter. Criteria: ACMG Guidelines, 2015. Collection method: not provided. Allele origin: germline. Inheritance: Autosomal dominant inheritance. Affected: yes.

NM_001130438.3(SPTAN1):c.4410C>T (p.Thr1470=)

Gene: SPTAN1 (spectrin alpha, non-erythrocytic 1; plus strand). Cytogenetic location: 9q34.11.
Variant type: single nucleotide variant.
Coding change: c.4410C>T on transcript NM_001130438.3 (MANE Select); coding-DNA position 4410, C replaced by T.
Protein change: p.Thr1470=; no amino-acid change (threonine 1470 retained).
Molecular consequence: synonymous variant.
Genome position (GRCh38, 1-based): chr9:128,608,195, C>T. VCF-style: chr9-128608195-C-T. GRCh37 (hg19) VCF-style: chr9-131370474-C-T.
Other names: p.T1470T:ACC>ACT; c.4350C>T, p.Thr1450= (NM_001195532.2, NM_001363765.2); c.4410C>T, p.Thr1470= (NM_001363759.2, NM_003127.4).
Identifiers: ClinVar variation 139290 (VCV000139290.23), dbSNP rs2228951, ClinGen allele CA173570.